The following is an entry in ClinVar:

ClinVar aggregate classification (germline): Uncertain significance. Review status: criteria provided, multiple submitters, no conflicts (2 of 4 stars). 2 submissions from 2 submitters: Uncertain significance (2). Last evaluated 2025-01-30.

Conditions:
Aortic aneurysm, familial thoracic 7 (AAT7). Also called: AORTIC DISSECTION, FAMILIAL, WITH OR WITHOUT AORTIC ANEURYSM. Identifiers: MedGen C3151077, MONDO:0013418, OMIM 613780.

gnomAD v4.1: 11 of 1,614,196 alleles (0.00068%); highest among the groups gnomAD compares: Admixed American, 0.0033%; no homozygotes.

Submissions (2):

Labcorp Genetics (formerly Invitae), Labcorp
Classification: Uncertain significance for Aortic aneurysm, familial thoracic 7. Last evaluated: 2025-01-30. Review status: criteria provided, single submitter. Criteria: Invitae Variant Classification Sherloc (09022015). Collection method: clinical testing. Allele origin: germline.
Comment: This sequence change replaces leucine, which is neutral and non-polar, with arginine, which is basic and polar, at codon 612 of the MYLK protein (p.Leu612Arg). This variant is present in population databases (rs759366239, gnomAD 0.0009%). This variant has not been reported in the literature in individuals affected with MYLK-related conditions. ClinVar contains an entry for this variant (Variation ID: 3374807). Invitae Evidence Modeling of protein sequence and biophysical properties (such as structural, functional, and spatial information, amino acid conservation, physicochemical variation, residue mobility, and thermodynamic stability) indicates that this missense variant is not expected to disrupt MYLK protein function with a negative predictive value of 80%. In summary, the available evidence is currently insufficient to determine the role of this variant in disease. Therefore, it has been classified as a Variant of Uncertain Significance.

Women's Health and Genetics/Laboratory Corporation of America, LabCorp
Classification: Uncertain significance. Last evaluated: 2024-09-14. Review status: criteria provided, single submitter. Criteria: LabCorp Variant Classification Summary - May 2015. Collection method: clinical testing. Allele origin: germline.

NM_053025.4(MYLK):c.1835T>G (p.Leu612Arg)

Gene: MYLK (myosin light chain kinase; minus strand). Cytogenetic location: 3q21.1.
Variant type: single nucleotide variant.
Coding change: c.1835T>G on transcript NM_053025.4 (MANE Select); coding-DNA position 1835, T replaced by G.
Protein change: p.Leu612Arg; replaces leucine 612 with arginine.
Molecular consequence: missense variant.
Genome position (GRCh38, 1-based): chr3:123,709,863, A>C on the plus strand (T>G on the coding strand, the complement: MYLK is on the minus strand). VCF-style: chr3-123709863-A-C. GRCh37 (hg19) VCF-style: chr3-123428710-A-C.
Other names: c.1307T>G, p.Leu436Arg (NM_001321309.2); c.1628T>G, p.Leu543Arg (NM_053026.4, NM_053028.4); c.1835T>G, p.Leu612Arg (NM_053027.4); short protein forms L436R, L543R, L612R.
Identifiers: ClinVar variation 3374807 (VCV003374807.3).